The following is an entry in ClinVar:

ClinVar aggregate classification (germline): Uncertain significance (1 of 4 stars; one submission).

Submission:

GeneDx
Classification: Uncertain significance. Last evaluated: 2024-07-17. Review status: criteria provided, single submitter. Criteria: GeneDx Variant Classification Process June 2021. Collection method: clinical testing. Allele origin: germline. Affected: yes.
Comment: In silico analysis indicates that this missense variant does not alter protein structure/function; Has not been previously published as pathogenic or benign to our knowledge; Not observed at significant frequency in large population cohorts (gnomAD)

NM_002334.4(LRP4):c.1910G>C (p.Ser637Thr)

Gene: LRP4 (LDL receptor related protein 4; minus strand). Cytogenetic location: 11p11.2.
Variant type: single nucleotide variant.
Coding change: c.1910G>C on transcript NM_002334.4 (MANE Select); coding-DNA position 1910, G replaced by C.
Protein change: p.Ser637Thr; replaces serine 637 with threonine.
Molecular consequence: missense variant.
Genome position (GRCh38, 1-based): chr11:46,890,282, C>G on the plus strand (G>C on the coding strand, the complement: LRP4 is on the minus strand). VCF-style: chr11-46890282-C-G. GRCh37 (hg19) VCF-style: chr11-46911833-C-G.
Other names: short protein forms S637T.
Identifiers: ClinVar variation 3573504 (VCV003573504.1).